The following is an entry in ClinVar:

NM_000214.3(JAG1):c.349dup (p.Arg117fs)

Gene: JAG1 (jagged canonical Notch ligand 1; minus strand). Cytogenetic location: 20p12.2.
Variant type: Duplication.
Coding change: c.349dup on transcript NM_000214.3 (MANE Select); coding-DNA position 349, one base duplicated (C; older notation c.349dupC).
Protein change: p.Arg117fs; shifts the reading frame from arginine 117.
Molecular consequence: frameshift variant.
Genome position (GRCh38, 1-based): chr20:10,672,739, G duplicated on the plus strand (C on the coding strand, the reverse complement: JAG1 is on the minus strand); the first of 2 consecutive G bases (chr20:10,672,739-10,672,740); duplicating either gives the same sequence. VCF-style (leftmost placement, unchanged base first): chr20-10672738-C-CG. GRCh37 (hg19) VCF-style: chr20-10653386-C-CG.
Other names: c.349dupC (NM_000214.2); c.349dup, p.Arg117fs (LRG_1191t1); short protein forms R117fs.
Identifiers: ClinVar variation 280540 (VCV000280540.3), dbSNP rs886041727, ClinGen allele CA10603460.
Genomic context (GRCh38, chr20:10,672,738, plus strand): 5'-CTCCTTCCCGAGTAGTCACTCACCGGCCAGGCGAAACTGAAAGGCAGCACGATGCGGTTG[C>CG]GGTCGTTGCCGCGGCTGGCCTTGAGGTTGAAGGTGTTGCCCCCGATGACAGGCGTGGACC-3'

ClinVar aggregate classification (germline): Pathogenic (1 of 4 stars; one submission).

Submission:

GeneDx
Classification: Pathogenic. Last evaluated: 2019-06-28. Review status: criteria provided, single submitter. Criteria: GeneDx Variant Classification Process June 2021. Collection method: clinical testing. Allele origin: germline. Affected: yes.
Comment: Frameshift variant predicted to result in protein truncation or nonsense mediated decay in a gene for which loss-of-function is a known mechanism of disease; Not observed in large population cohorts (Lek et al., 2016); Has not been previously published as pathogenic or benign to our knowledge